The following is an entry in ClinVar:

ClinVar aggregate classification (germline): Benign/Likely benign. Review status: criteria provided, multiple submitters, no conflicts (2 of 4 stars). 6 submissions from 6 submitters: Benign (4); Likely benign (2). Last evaluated 2026-04-02.

Conditions:
Alpha thalassemia-X-linked intellectual disability syndrome (ATRX). Also called: ALPHA-THALASSEMIA/MENTAL RETARDATION SYNDROME, X-LINKED; ATR, NONDELETION TYPE; X-linked alpha-thalassemia-mental retardation syndrome; ALPHA-THALASSEMIA/IMPAIRED INTELLECTUAL DEVELOPMENT SYNDROME, X-LINKED; ATR-X syndrome; Alpha thalassemia mental retardation syndrome, nondeletion type, X-linked. Identifiers: Orphanet 847, MedGen C1845055, MONDO:0010519, OMIM 301040.
ATRX-related disorder. Also called: ATRX-related condition.
Inborn genetic diseases. Identifiers: MedGen C0950123, MeSH D030342.

Allele frequency attached by ClinVar (database versions not stated): gnomAD 0.00002; TOPMed 0.00007.
gnomAD v4.1: 47 of 1,207,460 alleles (0.0039%); highest among the groups gnomAD compares: Admixed American, 0.088%; no homozygotes.

Submissions (6):

PreventionGenetics, part of Exact Sciences
Classification: Likely benign for ATRX-related condition. Last evaluated: 2026-04-02. Review status: criteria provided, single submitter. Criteria: ACMG Guidelines, 2015. Collection method: clinical testing. Allele origin: germline.
Comment: This variant is classified as likely benign based on ACMG/AMP sequence variant interpretation guidelines (Richards et al. 2015 PMID: 25741868, with internal and published modifications).

CeGaT Center for Human Genetics Tuebingen
Classification: Likely benign. Last evaluated: 2026-03-01. Review status: criteria provided, single submitter. Criteria: CeGaT Center For Human Genetics Tuebingen Variant Classification Criteria Version 2. Collection method: clinical testing. Allele origin: germline. Affected: yes. Observed: 1 variant allele.
Comment: ATRX: BP4, BS2

Labcorp Genetics (formerly Invitae), Labcorp
Classification: Benign for Alpha thalassemia-X-linked intellectual disability syndrome. Last evaluated: 2026-01-28. Review status: criteria provided, single submitter. Criteria: Invitae Variant Classification Sherloc (09022015). Collection method: clinical testing. Allele origin: germline.

Athena Diagnostics
Classification: Benign. Last evaluated: 2025-04-18. Review status: criteria provided, single submitter. Criteria: Athena Diagnostics Criteria. Collection method: clinical testing. Allele origin: unknown.
Comment: The frequency of this variant in the general population is higher than would generally be expected for pathogenic variants in this gene.

GeneDx
Classification: Benign. Last evaluated: 2020-02-10. Review status: criteria provided, single submitter. Criteria: GeneDx Variant Classification Process June 2021. Collection method: clinical testing. Allele origin: germline. Affected: yes.

Ambry Genetics
Classification: Benign for Inborn genetic diseases. Last evaluated: 2017-07-21. Review status: criteria provided, single submitter. Criteria: Ambry Variant Classification Scheme 2023. Collection method: clinical testing. Allele origin: germline.

NM_000489.6(ATRX):c.2524C>T (p.Pro842Ser)

Gene: ATRX (ATRX chromatin remodeler; minus strand). Cytogenetic location: Xq21.1.
Variant type: single nucleotide variant.
Coding change: c.2524C>T on transcript NM_000489.6 (MANE Select); coding-DNA position 2524, C replaced by T.
Protein change: p.Pro842Ser; replaces proline 842 with serine.
Molecular consequence: missense variant.
Genome position (GRCh38, 1-based): chrX:77,682,732, G>A on the plus strand (C>T on the coding strand, the complement: ATRX is on the minus strand). VCF-style: chrX-77682732-G-A. GRCh37 (hg19) VCF-style: chrX-76938224-G-A.
Other names: c.2410C>T, p.Pro804Ser (NM_138270.5); short protein forms P842S, P804S.
Identifiers: ClinVar variation 465046 (VCV000465046.22), dbSNP rs782196312, ClinGen allele CA10458071.